The following is an entry in ClinVar:

NM_001430.5(EPAS1):c.698C>G (p.Ser233Cys)

Genes: EPAS1 (endothelial PAS domain protein 1; plus strand), LOC126806210 (BRD4-independent group 4 enhancer GRCh37_chr2:46587586-46588785; plus strand). Cytogenetic location: 2p21.
Variant type: single nucleotide variant.
Coding change: c.698C>G on transcript NM_001430.5 (MANE Select); coding-DNA position 698, C replaced by G.
Protein change: p.Ser233Cys; replaces serine 233 with cysteine.
Molecular consequence: missense variant.
Genome position (GRCh38, 1-based): chr2:46,361,009, C>G. VCF-style: chr2-46361009-C-G. GRCh37 (hg19) VCF-style: chr2-46588148-C-G.
Other names: short protein forms S233C.
Identifiers: ClinVar variation 2624644 (VCV002624644.2), dbSNP rs2546455512, ClinGen allele CA346700184.

ClinVar aggregate classification (germline): Uncertain significance (1 of 4 stars; one submission).

Conditions:
Inborn genetic diseases. Identifiers: MedGen C0950123, MeSH D030342.

Allele frequency attached by ClinVar (database versions not stated): gnomAD exomes below 0.00001.
gnomAD v4.1: 2 of 1,614,174 alleles (0.00012%); highest among the groups gnomAD compares: South Asian, 0.0022%; no homozygotes.

Submission:

Ambry Genetics
Classification: Uncertain significance for Inborn genetic diseases. Last evaluated: 2023-07-05. Review status: criteria provided, single submitter. Criteria: Ambry Variant Classification Scheme 2023. Collection method: clinical testing. Allele origin: germline.
Comment: The p.S233C variant (also known as c.698C>G), located in coding exon 6 of the EPAS1 gene, results from a C to G substitution at nucleotide position 698. The serine at codon 233 is replaced by cysteine, an amino acid with dissimilar properties. This amino acid position is conserved. In addition, the in silico prediction for this alteration is inconclusive. Since supporting evidence is limited at this time, the clinical significance of this alteration remains unclear.